The following is an entry in ClinVar:

NM_001048174.2(MUTYH):c.947C>G (p.Pro316Arg)

Gene: MUTYH (mutY DNA glycosylase; minus strand). Cytogenetic location: 1p34.1.
Variant type: single nucleotide variant.
Coding change: c.947C>G on transcript NM_001048174.2 (MANE Select); coding-DNA position 947, C replaced by G.
Protein change: p.Pro316Arg; replaces proline 316 with arginine.
Molecular consequence: missense variant. On other transcripts: non-coding transcript variant (7).
Genome position (GRCh38, 1-based): chr1:45,331,816, G>C on the plus strand (C>G on the coding strand, the complement: MUTYH is on the minus strand). VCF-style: chr1-45331816-G-C. GRCh37 (hg19) VCF-style: chr1-45797488-G-C.
Other names: c.1031C>G, p.Pro344Arg (NM_001128425.2); c.992C>G, p.Pro331Arg (NM_001293190.2); c.980C>G, p.Pro327Arg (NM_001293191.2, NM_001407069.1, NM_001407077.1); c.671C>G, p.Pro224Arg (NM_001293192.2, NM_001293196.2, NM_001407091.1); c.947C>G, p.Pro316Arg (NM_001293195.2, NM_001407070.1, NM_001048171.2 and 6 more transcripts); c.602C>G, p.Pro201Arg (NM_001350650.2, NM_001350651.2, NM_001407082.1); c.950C>G, p.Pro317Arg (NM_001048172.2, NM_001407071.1, NM_001407078.1 and 1 more transcripts); c.863C>G, p.Pro288Arg (NM_001407075.1); and 5 more; short protein forms P224R, P316R, P331R, P327R, P201R, P303R, P317R, P330R.
Identifiers: ClinVar variation 4112944 (VCV004112944.1).
Genomic context (GRCh38, chr1:45,331,816, plus strand): 5'-CGGCTGGCCTTTCTGGGGAAGTTGACCACTCCCAGGGTCTGGTCCCAGGGCTCCGAGGGA[G>C]GCAGGCACAGGTGGCACTGTCCAGTGTTGGGAGCTGGGAACGGAGATCCCCGAACCCTAC-3'
Protein context (NP_001041639.1, residues 306-326): PNTGQCHLCL[Pro316Arg]PSEPWDQTLG

ClinVar aggregate classification (germline): Uncertain significance (1 of 4 stars; one submission).

Conditions:
Hereditary cancer-predisposing syndrome. Also called: Tumor predisposition; Neoplastic Syndromes, Hereditary; Hereditary neoplastic syndrome; Hereditary Cancer Syndrome. Identifiers: Orphanet 140162, MedGen C0027672, MeSH D009386, MONDO:0015356.

Submission:

Ambry Genetics
Classification: Uncertain significance for Hereditary cancer-predisposing syndrome. Last evaluated: 2025-08-27. Review status: criteria provided, single submitter. Criteria: Ambry Variant Classification Scheme 2023. Collection method: clinical testing. Allele origin: germline.
Comment: The p.P344R variant (also known as c.1031C>G), located in coding exon 12 of the MUTYH gene, results from a C to G substitution at nucleotide position 1031. The proline at codon 344 is replaced by arginine, an amino acid with dissimilar properties. This amino acid position is conserved. In addition, this alteration is predicted to be tolerated by in silico analysis. Based on the available evidence, the clinical significance of this variant remains unclear.